The following is an entry in ClinVar:

ClinVar aggregate classification (germline): Pathogenic (1 of 4 stars; one submission).

Submission:

Labcorp Genetics (formerly Invitae), Labcorp
Classification: Pathogenic. Last evaluated: 2024-08-06. Review status: criteria provided, single submitter. Criteria: Invitae Variant Classification Sherloc (09022015). Collection method: clinical testing. Allele origin: germline.
Comment: This sequence change creates a premature translational stop signal (p.Leu2344Cysfs*11) in the DMXL2 gene. It is expected to result in an absent or disrupted protein product. Loss-of-function variants in DMXL2 are known to be pathogenic (PMID: 30237576, 31688942). This variant is not present in population databases (gnomAD no frequency). This variant has not been reported in the literature in individuals affected with DMXL2-related conditions. ClinVar contains an entry for this variant (Variation ID: 2030888). For these reasons, this variant has been classified as Pathogenic.

Literature cited by the submitters: PubMed 30237576; PubMed 31688942.

NM_001378457.1(DMXL2):c.7031del (p.Leu2344fs)

Gene: DMXL2 (Dmx like 2; minus strand). Cytogenetic location: 15q21.2.
Variant type: Deletion.
Coding change: c.7031del on transcript NM_001378457.1 (MANE Select); coding-DNA position 7031, one base deleted (T; older notation c.7031delT).
Protein change: p.Leu2344fs; shifts the reading frame from leucine 2344.
Molecular consequence: frameshift variant. On other transcripts: non-coding transcript variant (2).
Genome position (GRCh38, 1-based): chr15:51,474,526, A deleted on the plus strand (T on the coding strand, the reverse complement: DMXL2 is on the minus strand); the first of 4 consecutive A bases (chr15:51,474,526-51,474,529); deleting any one gives the same sequence. VCF-style (leftmost placement, unchanged base first): chr15-51474525-CA-C. GRCh37 (hg19) VCF-style: chr15-51766722-CA-C.
Other names: c.7031del, p.Leu2344fs (NM_001174116.3, NM_001378459.1, NM_001378461.1 and 1 more transcripts); c.5120del, p.Leu1707fs (NM_001174117.3); c.7028del, p.Leu2343fs (NM_001378458.1, NM_001378462.1, NM_015263.5); c.5009del, p.Leu1670fs (NM_001378460.1); c.6788del, p.Leu2263fs (NM_001378464.1); short protein forms L2344fs, L1670fs, L1707fs, L2343fs, L2263fs.
Identifiers: ClinVar variation 2030888 (VCV002030888.4), dbSNP rs2548425461, ClinGen allele CA2580089755.
Genomic context (GRCh38, chr15:51,474,525, plus strand): 5'-ATTTGTGGCAAGAGCATGTATCAATAAACTTAAGTAAACAGCAACAACAGCTTCACATAG[CA>C]AAATGTTCAGTTTTGGCTGGTCTTCATCTTGGGCTGAACTCAAAAGATTAATAAGTGAGC-3'